The following is an entry in ClinVar:

ClinVar aggregate classification (germline): Uncertain significance (0 of 4 stars; one submission).

Conditions:
Hearing impairment. Also called: Impaired Hearing. Identifiers: MedGen C1384666, MONDO:0005365, HP:0000365.

gnomAD v4.1: 207 of 398,356 alleles (0.052%); highest among the groups gnomAD compares: Non-Finnish European, 0.085%; no homozygotes.

Submission:

Joint Genome Diagnostic Labs from Nijmegen and Maastricht, Radboudumc and MUMC+
Classification: Uncertain significance for hearing impairment. Review status: no assertion criteria provided. Collection method: clinical testing. Allele origin: germline. Affected: yes.
Comment: Predicted effect on splicing not confirmed with minigene assay

NM_001145026.2(PTPRQ):c.536G>A (p.Arg179Gln)

Gene: PTPRQ (protein tyrosine phosphatase receptor type Q; plus strand). Cytogenetic location: 12q21.31.
Variant type: single nucleotide variant.
Coding change: c.536G>A on transcript NM_001145026.2 (MANE Select); coding-DNA position 536, G replaced by A.
Protein change: p.Arg179Gln; replaces arginine 179 with glutamine.
Molecular consequence: missense variant.
Genome position (GRCh38, 1-based): chr12:80,459,359, G>A. VCF-style: chr12-80459359-G-A. GRCh37 (hg19) VCF-style: chr12-80850818-C-T.
Other names: short protein forms R179Q.
Identifiers: ClinVar variation 3338156 (VCV003338156.1).